The following is an entry in ClinVar:

NM_152564.5(VPS13B):c.10739T>C (p.Leu3580Pro)

Gene: VPS13B (vacuolar protein sorting 13 homolog B; plus strand). Cytogenetic location: 8q22.2.
Variant type: single nucleotide variant.
Coding change: c.10739T>C on transcript NM_152564.5 (MANE Select); coding-DNA position 10739, T replaced by C.
Protein change: p.Leu3580Pro; replaces leucine 3580 with proline.
Molecular consequence: missense variant.
Genome position (GRCh38, 1-based): chr8:99,854,128, T>C. VCF-style: chr8-99854128-T-C. GRCh37 (hg19) VCF-style: chr8-100866356-T-C.
Other names: c.10814T>C, p.Leu3605Pro (NM_017890.5); short protein forms L3605P, L3580P.
Identifiers: ClinVar variation 2006294 (VCV002006294.4), dbSNP rs2492240476, ClinGen allele CA371785689.
Genomic context (GRCh38, chr8:99,854,128, plus strand): 5'-TACGGAAACTGGTGATCCAGCCAGTAAATTTGCTCGTCAGCATCCACGCTTCCCTCAAGC[T>C]GTACATAGCCTCAGACCACACTCCTCTCTCCTTCTCGGTGTTTGAAAGAGGACCCATCTT-3'
Protein context (NP_689777.3, residues 3570-3590): LLVSIHASLK[Leu3580Pro]YIASDHTPLS

ClinVar aggregate classification (germline): Uncertain significance (1 of 4 stars; one submission).

Conditions:
Cohen syndrome (COH1). Also called: PEPPER SYNDROME; Cutis verticis gyrata, retinitis pigmentosa, and sensorineural deafness. Identifiers: Orphanet 193, MedGen C0265223, MONDO:0008999, OMIM 216550.

Submission:

Labcorp Genetics (formerly Invitae), Labcorp
Classification: Uncertain significance for Cohen syndrome. Last evaluated: 2022-07-19. Review status: criteria provided, single submitter. Criteria: Invitae Variant Classification Sherloc (09022015). Collection method: clinical testing. Allele origin: germline.
Comment: This sequence change replaces leucine, which is neutral and non-polar, with proline, which is neutral and non-polar, at codon 3605 of the VPS13B protein (p.Leu3605Pro). This variant is not present in population databases (gnomAD no frequency). In summary, the available evidence is currently insufficient to determine the role of this variant in disease. Therefore, it has been classified as a Variant of Uncertain Significance. Algorithms developed to predict the effect of missense changes on protein structure and function are either unavailable or do not agree on the potential impact of this missense change (SIFT: "Not Available"; PolyPhen-2: "Possibly Damaging"; Align-GVGD: "Not Available"). This variant has not been reported in the literature in individuals affected with VPS13B-related conditions.